The following is an entry in ClinVar:

ClinVar aggregate classification (germline): Benign/Likely benign. Review status: criteria provided, multiple submitters, no conflicts (2 of 4 stars). 4 submissions from 4 submitters: Benign (1); Likely benign (2). 1 of the submissions does not count toward it. Last evaluated 2026-02-04.

Conditions:
Retinitis pigmentosa (RP). Identifiers: Orphanet 791, MedGen C0035334, MeSH D012174, MONDO:0019200, OMIM 268000. Inheritance: Autosomal dominant, autosomal recessive and X linked inheritance.
Retinitis pigmentosa 26 (RP26). Identifiers: Orphanet 791, MedGen C1842127, MONDO:0012024, OMIM 608380.

Allele frequency attached by ClinVar (database versions not stated): gnomAD exomes 0.00106 and 0.00263; ExAC 0.00328; 1000 Genomes Project 0.00779; 1000 Genomes Project 30x 0.00859; gnomAD 0.01168 and 0.01270; TOPMed 0.01279; ESP Exome Variant Server 0.01370.
gnomAD v4.1: 3,352 of 1,596,114 alleles (0.21%); highest among the groups gnomAD compares: African/African-American, 4.1%; 58 homozygotes.

Submissions (4):

Labcorp Genetics (formerly Invitae), Labcorp
Classification: Benign. Last evaluated: 2026-02-04. Review status: criteria provided, single submitter. Criteria: Invitae Variant Classification Sherloc (09022015). Collection method: clinical testing. Allele origin: germline.

Illumina Laboratory Services, Illumina
Classification: Likely benign for Retinitis pigmentosa. Last evaluated: 2018-01-13. Review status: criteria provided, single submitter. Criteria: ICSL Variant Classification Criteria 13 December 2019. Collection method: clinical testing. Allele origin: germline.
Comment: This variant was observed in the ICSL laboratory as part of a predisposition screen in an ostensibly healthy population. It had not been previously curated by ICSL or reported in the Human Gene Mutation Database (HGMD: prior to June 1st, 2018), and was therefore a candidate for classification through an automated scoring system. Utilizing variant allele frequency, disease prevalence and penetrance estimates, and inheritance mode, an automated score was calculated to assess if this variant is too frequent to cause the disease. Based on the score and internal cut-off values, a variant classified as likely benign is not then subjected to further curation. The score for this variant resulted in a classification of likely benign for this disease.

Breakthrough Genomics
Classification: Likely benign. Review status: criteria provided, single submitter. Criteria: ACMG Guidelines, 2015. Collection method: not provided. Allele origin: germline. Inheritance: Autosomal recessive inheritance. Affected: yes.

Natera, Inc.
Classification: Benign for Retinitis pigmentosa type 26. Last evaluated: 2019-10-28. Review status: no assertion criteria provided. Collection method: clinical testing. Allele origin: germline. Not counted in ClinVar's aggregate classification.

NM_201548.5(CERKL):c.199G>A (p.Ala67Thr)

Genes: CERKL (CERK like autophagy regulator; minus strand), LOC129935214 (ATAC-STARR-seq lymphoblastoid silent region 12157; plus strand). Cytogenetic location: 2q31.3.
Variant type: single nucleotide variant.
Coding change: c.199G>A on transcript NM_201548.5 (MANE Select); coding-DNA position 199, G replaced by A.
Protein change: p.Ala67Thr; replaces alanine 67 with threonine.
Molecular consequence: missense variant. On other transcripts: non-coding transcript variant (2).
Genome position (GRCh38, 1-based): chr2:181,656,808, C>T on the plus strand (G>A on the coding strand, the complement: CERKL is on the minus strand). VCF-style: chr2-181656808-C-T. GRCh37 (hg19) VCF-style: chr2-182521535-C-T.
Other names: c.199G>A, p.Ala67Thr (NM_001030311.3, NM_001030312.3, NM_001030313.3 and 1 more transcripts); short protein forms A67T.
Identifiers: ClinVar variation 333014 (VCV000333014.17), dbSNP rs61733527, ClinGen allele CA2010927.